The following is an entry in ClinVar:

ClinVar aggregate classification (germline): Benign/Likely benign. Review status: criteria provided, multiple submitters, no conflicts (2 of 4 stars). 11 submissions from 10 submitters: Benign (6); Likely benign (2). 3 of the submissions do not count toward it. Last evaluated 2026-02-02.

Conditions:
Emery-Dreifuss muscular dystrophy 4, autosomal dominant (EDMD4). Also called: EMERY-DREIFUSS MUSCULAR DYSTROPHY 4 WITH VARIABLE FEATURES. Identifiers: Orphanet 261, MedGen C2751807, MONDO:0013071, OMIM 612998.
Autosomal recessive ataxia, Beauce type. Also called: SYNE1-Related Autosomal Recessive Cerebellar Ataxia; ATAXIA, RECESSIVE, OF BEAUCE; Spinocerebellar ataxia, autosomal recessive 8; SYNE1 Deficiency. Identifiers: Orphanet 88644, MedGen C1853116, MONDO:0012549, OMIM 610743.

Allele frequency attached by ClinVar (database versions not stated): gnomAD exomes 0.11302 and 0.12926; 1000 Genomes Project 0.07328; 1000 Genomes Project 30x 0.07464; gnomAD 0.11931 and 0.12377; TOPMed 0.10621; ExAC 0.11420; ESP Exome Variant Server 0.11618.
gnomAD v4.1: 206,278 of 1,613,840 alleles (13%); highest among the groups gnomAD compares: Non-Finnish European, 14%; 14,862 homozygotes.

Submissions (11):

Labcorp Genetics (formerly Invitae), Labcorp
Classification: Benign for Emery-Dreifuss muscular dystrophy 4, autosomal dominant; Autosomal recessive ataxia, Beauce type. Last evaluated: 2026-02-02. Review status: criteria provided, single submitter. Criteria: Invitae Variant Classification Sherloc (09022015). Collection method: clinical testing. Allele origin: germline.

Athena Diagnostics
Classification: Benign. Last evaluated: 2018-11-02. Review status: criteria provided, single submitter. Criteria: Athena Diagnostics Criteria. Collection method: clinical testing. Allele origin: germline.

Illumina Laboratory Services, Illumina
Classification: Benign for Emery-Dreifuss muscular dystrophy 4, autosomal dominant. Last evaluated: 2018-01-13. Review status: criteria provided, single submitter. Criteria: ICSL Variant Classification Criteria 13 December 2019. Collection method: clinical testing. Allele origin: germline.
Comment: This variant was observed in the ICSL laboratory as part of a predisposition screen in an ostensibly healthy population. It had not been previously curated by ICSL or reported in the Human Gene Mutation Database (HGMD: prior to June 1st, 2018), and was therefore a candidate for classification through an automated scoring system. Utilizing variant allele frequency, disease prevalence and penetrance estimates, and inheritance mode, an automated score was calculated to assess if this variant is too frequent to cause the disease. Based on the score and internal cut-off values, a variant classified as benign is not then subjected to further curation. The score for this variant resulted in a classification of benign for this disease.

Illumina Laboratory Services, Illumina
Classification: Benign for Autosomal recessive ataxia, Beauce type. Last evaluated: 2018-01-13. Review status: criteria provided, single submitter. Criteria: ICSL Variant Classification Criteria 13 December 2019. Collection method: clinical testing. Allele origin: germline.
Comment: the same text as in the submission from Illumina Laboratory Services, Illumina above.

Mayo Clinic Laboratories, Mayo Clinic
Classification: Benign. Last evaluated: 2017-07-25. Review status: criteria provided, single submitter. Criteria: ACMG Guidelines, 2015. Collection method: clinical testing. Allele origin: germline. Observed: 268 variant alleles.

GeneDx
Classification: Benign. Last evaluated: 2016-01-05. Review status: criteria provided, single submitter. Criteria: GeneDx Variant Classification (06012015). Collection method: clinical testing. Allele origin: germline. Affected: yes.
Comment: This variant is considered likely benign or benign based on one or more of the following criteria: it is a conservative change, it occurs at a poorly conserved position in the protein, it is predicted to be benign by multiple in silico algorithms, and/or has population frequency not consistent with disease.

Breakthrough Genomics
Classification: Likely benign. Review status: criteria provided, single submitter. Criteria: ACMG Guidelines, 2015. Collection method: not provided. Allele origin: germline. Inheritance: Autosomal recessive inheritance. Affected: yes.

PreventionGenetics, part of Exact Sciences
Classification: Likely benign. Review status: criteria provided, single submitter. Criteria: ACMG Guidelines, 2015. Collection method: clinical testing. Allele origin: germline.

Clinical Genetics DNA and cytogenetics Diagnostics Lab, Erasmus MC, Erasmus Medical Center
Classification: Benign. Review status: no assertion criteria provided. Collection method: clinical testing. Allele origin: germline. Affected: yes. Study: VKGL Data-share Consensus. Not counted in ClinVar's aggregate classification.

Clinical Genetics, Academic Medical Center
Classification: Benign. Review status: no assertion criteria provided. Collection method: clinical testing. Allele origin: germline. Affected: yes. Study: VKGL Data-share Consensus. Not counted in ClinVar's aggregate classification.

Genetic Services Laboratory, University of Chicago
Classification: Likely benign for AllHighlyPenetrant. Review status: no assertion criteria provided. Collection method: clinical testing. Allele origin: germline. Inheritance: Autosomal dominant inheritance. Not counted in ClinVar's aggregate classification.
Comment: Likely benign based on allele frequency in 1000 Genomes Project or ESP global frequency and its presence in a patient with a rare or unrelated disease phenotype. NOT Sanger confirmed.

NM_182961.4(SYNE1):c.12276C>T (p.Leu4092=)

Gene: SYNE1 (spectrin repeat containing nuclear envelope protein 1; minus strand). Cytogenetic location: 6q25.2.
Variant type: single nucleotide variant.
Coding change: c.12276C>T on transcript NM_182961.4 (MANE Select); coding-DNA position 12276, C replaced by T.
Protein change: p.Leu4092=; no amino-acid change (leucine 4092 retained).
Molecular consequence: synonymous variant.
Genome position (GRCh38, 1-based): chr6:152,339,316, G>A on the plus strand (C>T on the coding strand, the complement: SYNE1 is on the minus strand). VCF-style: chr6-152339316-G-A. GRCh37 (hg19) VCF-style: chr6-152660451-G-A.
Other names: p.Leu4021=; c.12063C>T, p.Leu4021= (NM_033071.5).
Identifiers: ClinVar variation 130398 (VCV000130398.24), dbSNP rs71575926, ClinGen allele CA155343.